The following is an entry in ClinVar:

NM_000287.4(PEX6):c.2642G>A (p.Arg881His)

Gene: PEX6 (peroxisomal biogenesis factor 6; minus strand). Cytogenetic location: 6p21.1.
Variant type: single nucleotide variant.
Coding change: c.2642G>A on transcript NM_000287.4 (MANE Select); coding-DNA position 2642, G replaced by A.
Protein change: p.Arg881His; replaces arginine 881 with histidine.
Molecular consequence: missense variant. On other transcripts: non-coding transcript variant (1).
Genome position (GRCh38, 1-based): chr6:42,965,099, C>T on the plus strand (G>A on the coding strand, the complement: PEX6 is on the minus strand). VCF-style: chr6-42965099-C-T. GRCh37 (hg19) VCF-style: chr6-42932837-C-T.
Other names: c.2378G>A, p.Arg793His (NM_001316313.2); short protein forms R793H, R881H.
Identifiers: ClinVar variation 911081 (VCV000911081.7), dbSNP rs751377690, ClinGen allele CA3810953.

ClinVar aggregate classification (germline): Uncertain significance. Review status: criteria provided, multiple submitters, no conflicts (2 of 4 stars). 3 submissions from 3 submitters: Uncertain significance (3). Last evaluated 2025-08-05.

Conditions:
Inborn genetic diseases. Identifiers: MedGen C0950123, MeSH D030342.
Peroxisome biogenesis disorder 4A (Zellweger) (PBD4A). Also called: Zellweger syndrome spectrum (PEX6-related). Identifiers: Orphanet 912, MedGen C3553936, MONDO:0013930, OMIM 614862. Disease mechanism: loss of function.
Peroxisome biogenesis disorder. Identifiers: Orphanet 79189, MedGen C1832200, MONDO:0019234. Disease mechanism: loss of function.

Allele frequency attached by ClinVar (database versions not stated): TOPMed 0.00003; ExAC 0.00004; gnomAD exomes 0.00004.
gnomAD v4.1: 22 of 1,614,108 alleles (0.0014%); highest among the groups gnomAD compares: South Asian, 0.0077%; no homozygotes.

Submissions (3):

Ambry Genetics
Classification: Uncertain significance for Inborn genetic diseases. Last evaluated: 2025-08-05. Review status: criteria provided, single submitter. Criteria: Ambry Variant Classification Scheme 2023. Collection method: clinical testing. Allele origin: germline.

Labcorp Genetics (formerly Invitae), Labcorp
Classification: Uncertain significance for Peroxisome biogenesis disorder. Last evaluated: 2022-07-27. Review status: criteria provided, single submitter. Criteria: Invitae Variant Classification Sherloc (09022015). Collection method: clinical testing. Allele origin: germline.
Comment: This sequence change replaces arginine, which is basic and polar, with histidine, which is basic and polar, at codon 881 of the PEX6 protein (p.Arg881His). This variant is present in population databases (rs751377690, gnomAD 0.02%). This variant has not been reported in the literature in individuals affected with PEX6-related conditions. ClinVar contains an entry for this variant (Variation ID: 911081). Algorithms developed to predict the effect of missense changes on protein structure and function output the following: SIFT: "Tolerated"; PolyPhen-2: "Benign"; Align-GVGD: "Class C0". The histidine amino acid residue is found in multiple mammalian species, which suggests that this missense change does not adversely affect protein function. In summary, the available evidence is currently insufficient to determine the role of this variant in disease. Therefore, it has been classified as a Variant of Uncertain Significance.

Illumina Laboratory Services, Illumina
Classification: Uncertain significance for Peroxisome biogenesis disorder 4A (Zellweger). Last evaluated: 2018-01-13. Review status: criteria provided, single submitter. Criteria: ICSL Variant Classification Criteria 13 December 2019. Collection method: clinical testing. Allele origin: germline.